The following is an entry in ClinVar:

ClinVar aggregate classification (germline): Likely benign. Review status: criteria provided, multiple submitters, no conflicts (2 of 4 stars). 3 submissions from 3 submitters: Likely benign (2). 1 of the submissions does not count toward it. Last evaluated 2025-12-15.

Conditions:
CFAP410-related disorder. Also called: CFAP410-related condition.

Allele frequency attached by ClinVar (database versions not stated): TOPMed 0.00004; 1000 Genomes Project 30x 0.00016; 1000 Genomes Project 0.00020; gnomAD exomes 0.00029 and 0.00062; gnomAD 0.00041 and 0.00044; ExAC 0.00052.
gnomAD v4.1: 479 of 1,612,776 alleles (0.03%); highest among the groups gnomAD compares: South Asian, 0.011%; 1 homozygote.

Submissions (3):

Labcorp Genetics (formerly Invitae), Labcorp
Classification: Likely benign. Last evaluated: 2025-12-15. Review status: criteria provided, single submitter. Criteria: Invitae Variant Classification Sherloc (09022015). Collection method: clinical testing. Allele origin: germline.

Blueprint Genetics
Classification: Likely benign. Last evaluated: 2024-11-05. Review status: criteria provided, single submitter. Criteria: ACMG Guidelines, 2015. Collection method: clinical testing. Allele origin: germline.

PreventionGenetics, part of Exact Sciences
Classification: Likely benign for CFAP410-related condition. Last evaluated: 2024-08-07. Review status: no assertion criteria provided. Collection method: clinical testing. Allele origin: germline. Not counted in ClinVar's aggregate classification.
Comment: This variant is classified as likely benign based on ACMG/AMP sequence variant interpretation guidelines (Richards et al. 2015 PMID: 25741868, with internal and published modifications).

NM_004928.3(CFAP410):c.499G>A (p.Ala167Thr)

Gene: CFAP410 (cilia and flagella associated protein 410; minus strand). Cytogenetic location: 21q22.3.
Variant type: single nucleotide variant.
Coding change: c.499G>A on transcript NM_004928.3 (MANE Select); coding-DNA position 499, G replaced by A.
Protein change: p.Ala167Thr; replaces alanine 167 with threonine.
Molecular consequence: missense variant.
Genome position (GRCh38, 1-based): chr21:44,331,889, C>T on the plus strand (G>A on the coding strand, the complement: CFAP410 is on the minus strand). VCF-style: chr21-44331889-C-T. GRCh37 (hg19) VCF-style: chr21-45751772-C-T.
Other names: c.499G>A (NM_004928.2); c.499G>A, p.Ala167Thr (NM_001271440.2, NM_001271441.2); c.376G>A, p.Ala126Thr (NM_001271442.1); short protein forms A126T, A167T.
Identifiers: ClinVar variation 1639925 (VCV001639925.10), dbSNP rs200411422, ClinGen allele CA10053652.
Genomic context (GRCh38, chr21:44,331,889, plus strand): 5'-CCCTCCAGCCTCACGTTGCCTCCTCCTCGCTGTCCAGCGGGTCCCGGCCAGTCTCAGCAG[C>T]GGAGCTGAGGGAGCTCAGTGTGCAGCATAGCTTGGGGCCGCCGTGGCCTGTGCCCTCTCT-3'
Protein context (NP_004919.1, residues 157-177): LCCTLSSLSS[Ala167Thr]AETGRDPLDS